The following is an entry in ClinVar:

NM_001080508.3(TBX18):c.771+2T>G

Gene: TBX18 (T-box transcription factor 18; minus strand). Cytogenetic location: 6q14.3.
Variant type: single nucleotide variant.
Coding change: c.771+2T>G on transcript NM_001080508.3 (MANE Select); the canonical splice donor site of the intron after coding-DNA position 771, T replaced by G.
Molecular consequence: splice donor variant.
Genome position (GRCh38, 1-based): chr6:84,756,696, A>C on the plus strand (T>G on the coding strand, the complement: TBX18 is on the minus strand). VCF-style: chr6-84756696-A-C. GRCh37 (hg19) VCF-style: chr6-85466414-A-C.
Identifiers: ClinVar variation 5007102 (VCV005007102.2).

ClinVar aggregate classification (germline): Uncertain significance (1 of 4 stars; one submission).

Conditions:
Congenital anomalies of kidney and urinary tract 2. Identifiers: Orphanet 2190, MedGen C5574705, MONDO:0027676, OMIM 143400.

Submission:

Juno Genomics, Hangzhou Juno Genomics, Inc
Classification: Uncertain significance for Congenital anomalies of kidney and urinary tract 2. Review status: criteria provided, single submitter. Criteria: ACMG Guidelines, 2015. Collection method: clinical testing. Allele origin: germline.
Comment: Absent from controls (or at extremely low frequency if recessive) in Genome Aggregation Database.